The following is an entry in ClinVar:

NM_177986.5(DSG4):c.87del (p.Lys30fs)

Genes: DSG1-AS1 (DSG1 antisense RNA 1; minus strand), DSG4 (desmoglein 4; plus strand). Cytogenetic location: 18q12.1.
Variant type: Deletion.
Coding change: c.87del on transcript NM_177986.5 (MANE Select); coding-DNA position 87, one base deleted (G; older notation c.87delG).
Protein change: p.Lys30fs; shifts the reading frame from lysine 30.
Molecular consequence: frameshift variant.
Genome position (GRCh38, 1-based): chr18:31,386,690, G deleted. VCF-style (leftmost placement, unchanged base first): chr18-31386689-TG-T. GRCh37 (hg19) VCF-style: chr18-28966652-TG-T.
Other names: c.87del, p.Lys30fs (NM_001134453.3); short protein forms K30fs.
Identifiers: ClinVar variation 2720 (VCV000002720.3), dbSNP rs1325804776, ClinGen allele CA503604856.

ClinVar aggregate classification (germline): Likely pathogenic. Review status: criteria provided, single submitter (1 of 4 stars). 2 submissions from 2 submitters: Likely pathogenic (1). 1 of the submissions does not count toward it.

Conditions:
Hypotrichosis 6 (HYPT6). Also called: HYPOTRICHOSIS, LOCALIZED, AUTOSOMAL RECESSIVE 1; MONILETHRIX-LIKE HYPOTRICHOSIS. Identifiers: Orphanet 55654, MedGen C1842839, MONDO:0011932, OMIM 607903.

Allele frequency attached by ClinVar (database versions not stated): gnomAD exomes 0.00001.

Submissions (2):

Neuberg Centre For Genomic Medicine, NCGM
Classification: Likely pathogenic for Hypotrichosis 6. Review status: criteria provided, single submitter. Criteria: ACMG Guidelines, 2015. Collection method: clinical testing. Allele origin: germline. Inheritance: Autosomal recessive inheritance. Affected: yes.
Comment: The observed frameshift c.87del(p.Lys30ArgfsTer54) variant, lying in splice region of DSG4 gene has been reported previously in homozygous state in individuals affected with hypotrichosis (Wajid M, et al., 2007; Wang JM, et al., 2015). The p.Lys30ArgfsTer54 variant has been reported with allele frequency of 0.0008% in gnomAD Exomes. This variant has been submitted to the ClinVar database as Pathogenic. This variant causes a frameshift starting with codon Lysine 30, changes this amino acid to Arginine residue, and creates a premature Stop codon at position 54 of the new reading frame, denoted p.Lys30ArgfsTer54. This variant is predicted to cause loss of normal protein function through protein truncation. Loss of function variants have been previously reported to be disease causing. However, additional functional studies will be required to prove the pathogenicity of this variant. For these reasons, this variant has been classified as Likely Pathogenic.

OMIM
Classification: Pathogenic for HYPOTRICHOSIS 6. Last evaluated: 2007-07-01. Review status: no assertion criteria provided. Collection method: literature only. Allele origin: germline. Not counted in ClinVar's aggregate classification.

Literature cited by the submitters: PubMed 17392831 (cited by OMIM).